The following is an entry in ClinVar:

NM_020821.3(VPS13C):c.4777del (p.Gln1593fs)

Gene: VPS13C (vacuolar protein sorting 13 homolog C; minus strand). Cytogenetic location: 15q22.2.
Variant type: Deletion.
Coding change: c.4777del on transcript NM_020821.3 (MANE Select); coding-DNA position 4777, one base deleted (C; older notation c.4777delC).
Protein change: p.Gln1593fs; shifts the reading frame from glutamine 1593.
Molecular consequence: frameshift variant.
Genome position (GRCh38, 1-based): chr15:61,947,292, G deleted on the plus strand (C on the coding strand, the reverse complement: VPS13C is on the minus strand); the first of 3 consecutive G bases (chr15:61,947,292-61,947,294); deleting any one gives the same sequence. VCF-style (leftmost placement, unchanged base first): chr15-61947291-TG-T. GRCh37 (hg19) VCF-style: chr15-62239490-TG-T.
Other names: c.4777del, p.Gln1593fs (NM_001018088.3); c.4648del, p.Gln1550fs (NM_017684.5, NM_018080.4); short protein forms Q1550fs, Q1593fs.
Identifiers: ClinVar variation 222071 (VCV000222071.2), dbSNP rs869312811, ClinGen allele CA353560.

ClinVar aggregate classification (germline): Pathogenic. Review status: criteria provided, single submitter (1 of 4 stars). 2 submissions from 2 submitters: Pathogenic (1). 1 of the submissions does not count toward it. Last evaluated 2015-11-16.

Conditions:
Autosomal recessive early-onset Parkinson disease 23. Identifiers: Orphanet 2828, MedGen C4225186, MONDO:0014796, OMIM 616840.
Parkinson disease (PD). Identifiers: MedGen C0030567, MeSH D010300, MONDO:0005180.

Submissions (2):

Brain and Spine Institute, INSERM
Classification: Pathogenic for Parkinson disease. Last evaluated: 2015-11-16. Review status: criteria provided, single submitter. Criteria: Lesage et al. (Am J Hum Genet. 2016). Collection method: research. Allele origin: unknown. Affected: yes. Observed: 1 variant allele, 1 compound heterozygote.
Comment: recessive, early-onset, rapid progression

OMIM
Classification: Pathogenic for PARKINSON DISEASE 23, AUTOSOMAL RECESSIVE EARLY-ONSET. Last evaluated: 2019-12-20. Review status: no assertion criteria provided. Collection method: literature only. Allele origin: germline. Not counted in ClinVar's aggregate classification.

Literature cited by the submitters: PubMed 26942284 (cited by OMIM).